The following is an entry in ClinVar:

NM_001387430.1(SH2B1):c.480C>T (p.Arg160=)

Gene: SH2B1 (SH2B adaptor protein 1; plus strand). Cytogenetic location: 16p11.2.
Variant type: single nucleotide variant.
Coding change: c.480C>T on transcript NM_001387430.1 (MANE Select); coding-DNA position 480, C replaced by T.
Protein change: p.Arg160=; no amino-acid change (arginine 160 retained).
Molecular consequence: synonymous variant. On other transcripts: intron variant (1).
Genome position (GRCh38, 1-based): chr16:28,866,574, C>T. VCF-style: chr16-28866574-C-T. GRCh37 (hg19) VCF-style: chr16-28877895-C-T.
Other names: c.480C>T, p.Arg160= (NM_001145795.2, NM_001145796.2, NM_001145797.2 and 4 more transcripts); c.-26-800C>T (NM_001308294.2).
Identifiers: ClinVar variation 3349491 (VCV003349491.1).

ClinVar aggregate classification (germline): Likely benign (0 of 4 stars; one submission).

Conditions:
SH2B1-related disorder. Also called: SH2B1-related condition.

Submission:

PreventionGenetics, part of Exact Sciences
Classification: Likely benign for SH2B1-related condition. Last evaluated: 2023-09-19. Review status: no assertion criteria provided. Collection method: clinical testing. Allele origin: germline.
Comment: This variant is classified as likely benign based on ACMG/AMP sequence variant interpretation guidelines (Richards et al. 2015 PMID: 25741868, with internal and published modifications).